The following is an entry in ClinVar:

ClinVar aggregate classification (germline): Uncertain significance (1 of 4 stars; one submission).

gnomAD v4.1: 1 of 1,613,958 alleles (0.000062%); highest among the groups gnomAD compares: East Asian, 0.0022%; no homozygotes.

Submission:

Ambry Genetics
Classification: Uncertain significance. Last evaluated: 2025-12-23. Review status: criteria provided, single submitter. Criteria: Ambry Variant Classification Scheme 2023. Collection method: clinical testing. Allele origin: germline.
Comment: The p.G811E variant (also known as c.2432G>A), located in coding exon 13 of the GEN1 gene, results from a G to A substitution at nucleotide position 2432. The glycine at codon 811 is replaced by glutamic acid, an amino acid with similar properties. This amino acid position is conserved. In addition, this alteration is predicted to be tolerated by in silico analysis. Based on the available evidence, the clinical significance of this variant remains unclear.

NM_001130009.3(GEN1):c.2432G>A (p.Gly811Glu)

Gene: GEN1 (GEN1 structure-specific endonuclease; plus strand). Cytogenetic location: 2p24.2.
Variant type: single nucleotide variant.
Coding change: c.2432G>A on transcript NM_001130009.3 (MANE Select); coding-DNA position 2432, G replaced by A.
Protein change: p.Gly811Glu; replaces glycine 811 with glutamic acid.
Molecular consequence: missense variant.
Genome position (GRCh38, 1-based): chr2:17,781,644, G>A. VCF-style: chr2-17781644-G-A. GRCh37 (hg19) VCF-style: chr2-17962911-G-A.
Other names: c.2432G>A, p.Gly811Glu (NM_182625.5); short protein forms G811E.
Identifiers: ClinVar variation 4842198 (VCV004842198.1).
Genomic context (GRCh38, chr2:17,781,644, plus strand): 5'-TGAAGAAGAGTGTTTGCCTTGACAGACATTCCTCTGATGAACAAAGTGCCCCAGTGTTTG[G>A]GAAAGCTAAGTACACAACTCAAAGAATGAAGCACAGTTCTCAAAAGCATAATTCATCCCA-3'
Protein context (NP_001123481.3, residues 801-821): SSDEQSAPVF[Gly811Glu]KAKYTTQRMK